The following is an entry in ClinVar:

ClinVar aggregate classification (germline): Benign. Review status: criteria provided, multiple submitters, no conflicts (2 of 4 stars). 2 submissions from 2 submitters: Benign (2). Last evaluated 2024-07-15.

Allele frequency attached by ClinVar (database versions not stated): gnomAD 0.29941 and 0.30819; TOPMed 0.30107; 1000 Genomes Project 30x 0.32308; 1000 Genomes Project 0.33047; gnomAD exomes 0.38741.
gnomAD v4.1: 340,350 of 910,744 alleles (37%); highest among the groups gnomAD compares: East Asian, 62%; 69,585 homozygotes.

Submissions (2):

Unidad de Genómica Garrahan, Hospital de Pediatría Garrahan
Classification: Benign. Last evaluated: 2024-07-15. Review status: criteria provided, single submitter. Criteria: ACMG Guidelines, 2015. Collection method: clinical testing. Allele origin: germline. Affected: no. Observed: 28 variant alleles.
Comment: This variant is classified as Benign based on local population frequency. This variant was detected in 30% of patients studied in a panel designed for Epileptic and Developmental Encephalopathy and Progressive Myoclonus Epilepsy. Number of patients: 28. Only high quality variants are reported.

GeneDx
Classification: Benign. Last evaluated: 2018-06-14. Review status: criteria provided, single submitter. Criteria: GeneDx Variant Classification (06012015). Collection method: clinical testing. Allele origin: germline. Affected: yes.
Comment: This variant is considered likely benign or benign based on one or more of the following criteria: it is a conservative change, it occurs at a poorly conserved position in the protein, it is predicted to be benign by multiple in silico algorithms, and/or has population frequency not consistent with disease.

NM_001182.5(ALDH7A1):c.872-102G>T

Gene: ALDH7A1 (aldehyde dehydrogenase 7 family member A1; minus strand). Cytogenetic location: 5q23.2.
Variant type: single nucleotide variant.
Coding change: c.872-102G>T on transcript NM_001182.5 (MANE Select); 102 bases into the intron before coding-DNA position 872, G replaced by T.
Molecular consequence: intron variant.
Genome position (GRCh38, 1-based): chr5:126,561,226, C>A on the plus strand (G>T on the coding strand, the complement: ALDH7A1 is on the minus strand). VCF-style: chr5-126561226-C-A. GRCh37 (hg19) VCF-style: chr5-125896918-C-A.
Other names: c.872-102G>T (NM_001202404.2); c.788-102G>T (NM_001201377.2).
Identifiers: ClinVar variation 674701 (VCV000674701.3), dbSNP rs4836276, ClinGen allele CA15373565.
Genomic context (GRCh38, chr5:126,561,226, plus strand): 5'-CCATATTTACTGCACACTGCTACACAGCCTAATCCCAATTATTAAATTATATAGCCTGTC[C>A]AATTATTTTTTATATAGCCTATCCCAATCATATAGCCTATCCTGATTACACCCTATCCCA-3'